The following is an entry in ClinVar:

ClinVar aggregate classification (germline): Pathogenic (1 of 4 stars; one submission).

Conditions:
Osteogenesis imperfecta type I (OI1). Also called: Classic Non-deforming Osteogenesis Imperfecta with Blue Sclerae; Lobstein disease; OI, TYPE I; OSTEOGENESIS IMPERFECTA TARDA; OSTEOGENESIS IMPERFECTA WITH BLUE SCLERAE; Osteogenesis imperfecta type 1. Identifiers: Orphanet 216796, Orphanet 666, MedGen C0023931, MONDO:0008146, OMIM 166200. Disease mechanism: loss of function.

Submission:

Clinical Biomedical Laboratory, Shriners Hospital For Children - Canada
Classification: Pathogenic for Osteogenesis imperfecta type I. Last evaluated: 2025-07-16. Review status: criteria provided, single submitter. Criteria: ACMG Guidelines, 2015. Collection method: clinical testing. Allele origin: germline. Affected: yes.
Comment: This variant is predicted to substitute a glycine residue by a serine residue in the alpha 2 chain of collagen type I. Glycine substitutions in the triple helical domain of collagen type I cause disruption in the formation of the triple helix in the collagen molecule and are a typical cause of osteogenesis imperfecta. This variant is absent from the Genome Aggregation Database v.2.1.1, indicating it is very rare. This variant has been reported in the literature (PMID: 9240878). Prediction tools (REVEL: 0.99) suggest that the change is detrimental to protein function.

Literature cited by the submitters: PubMed 9240878.

NM_000089.4(COL1A2):c.2134G>A (p.Gly712Ser)

Gene: COL1A2 (collagen type I alpha 2 chain; plus strand). Cytogenetic location: 7q21.3.
Variant type: single nucleotide variant.
Coding change: c.2134G>A on transcript NM_000089.4 (MANE Select); coding-DNA position 2134, G replaced by A.
Protein change: p.Gly712Ser; replaces glycine 712 with serine.
Molecular consequence: missense variant.
Genome position (GRCh38, 1-based): chr7:94,420,391, G>A. VCF-style: chr7-94420391-G-A. GRCh37 (hg19) VCF-style: chr7-94049703-G-A.
Other names: short protein forms G712S.
Identifiers: ClinVar variation 4075348 (VCV004075348.1).